The following is an entry in ClinVar:

NM_019888.3(MC3R):c.709T>A (p.Cys237Ser)

Gene: MC3R (melanocortin 3 receptor; plus strand). Cytogenetic location: 20q13.2.
Variant type: single nucleotide variant.
Coding change: c.709T>A on transcript NM_019888.3 (MANE Select); coding-DNA position 709, T replaced by A.
Protein change: p.Cys237Ser; replaces cysteine 237 with serine.
Molecular consequence: missense variant.
Genome position (GRCh38, 1-based): chr20:56,249,552, T>A. VCF-style: chr20-56249552-T-A. GRCh37 (hg19) VCF-style: chr20-54824608-T-A.
Other names: short protein forms C237S.
Identifiers: ClinVar variation 4977127 (VCV004977127.1).

ClinVar aggregate classification (germline): Uncertain significance (1 of 4 stars; one submission).

Conditions:
MC3R-related disorder. Also called: MC3R-related condition.

Submission:

PreventionGenetics, part of Exact Sciences
Classification: Uncertain significance for MC3R-related condition. Last evaluated: 2026-02-26. Review status: criteria provided, single submitter. Criteria: ACMG Guidelines, 2015. Collection method: clinical testing. Allele origin: germline.
Comment: The MC3R c.709T>A variant is predicted to result in the amino acid substitution p.Cys237Ser. To our knowledge, this variant has not been reported in the literature. This variant is reported in 0.0018% of alleles in individuals of European (Non-Finnish) descent in gnomAD. At this time, the clinical significance of this variant is uncertain due to the absence of conclusive functional and genetic evidence.